The following is an entry in ClinVar:

ClinVar aggregate classification (germline): Uncertain significance (1 of 4 stars; one submission).

Conditions:
Bloom syndrome (BLM). Also called: Bloom-Torre-Machacek syndrome. Identifiers: Orphanet 125, MedGen C0005859, MONDO:0008876, OMIM 210900.

Allele frequency attached by ClinVar (database versions not stated): gnomAD exomes below 0.00001; TOPMed below 0.00001.

Submission:

Labcorp Genetics (formerly Invitae), Labcorp
Classification: Uncertain significance for Bloom syndrome. Last evaluated: 2022-12-23. Review status: criteria provided, single submitter. Criteria: Invitae Variant Classification Sherloc (09022015). Collection method: clinical testing. Allele origin: germline.
Comment: This sequence change replaces serine, which is neutral and polar, with phenylalanine, which is neutral and non-polar, at codon 729 of the BLM protein (p.Ser729Phe). This variant is not present in population databases (gnomAD no frequency). This variant has not been reported in the literature in individuals affected with BLM-related conditions. Advanced modeling of protein sequence and biophysical properties (such as structural, functional, and spatial information, amino acid conservation, physicochemical variation, residue mobility, and thermodynamic stability) performed at Invitae indicates that this missense variant is not expected to disrupt BLM protein function. In summary, the available evidence is currently insufficient to determine the role of this variant in disease. Therefore, it has been classified as a Variant of Uncertain Significance.

NM_000057.4(BLM):c.2186C>T (p.Ser729Phe)

Gene: BLM (BLM RecQ like helicase; plus strand). Cytogenetic location: 15q26.1.
Variant type: single nucleotide variant.
Coding change: c.2186C>T on transcript NM_000057.4 (MANE Select); coding-DNA position 2186, C replaced by T.
Protein change: p.Ser729Phe; replaces serine 729 with phenylalanine.
Molecular consequence: missense variant.
Genome position (GRCh38, 1-based): chr15:90,765,407, C>T. VCF-style: chr15-90765407-C-T. GRCh37 (hg19) VCF-style: chr15-91308637-C-T.
Other names: c.2186C>T, p.Ser729Phe (NM_001287246.2, NM_001287247.2); c.1061C>T, p.Ser354Phe (NM_001287248.2); short protein forms S729F, S354F.
Identifiers: ClinVar variation 2823693 (VCV002823693.3), dbSNP rs866243946, ClinGen allele CA274740765.